The following is an entry in ClinVar:

NM_017514.5(PLXNA3):c.202A>G (p.Thr68Ala)

Gene: PLXNA3 (plexin A3; plus strand). Cytogenetic location: Xq28.
Variant type: single nucleotide variant.
Coding change: c.202A>G on transcript NM_017514.5 (MANE Select); coding-DNA position 202, A replaced by G.
Protein change: p.Thr68Ala; replaces threonine 68 with alanine.
Molecular consequence: missense variant.
Genome position (GRCh38, 1-based): chrX:154,460,385, A>G. VCF-style: chrX-154460385-A-G. GRCh37 (hg19) VCF-style: chrX-153688725-A-G.
Other names: short protein forms T68A.
Identifiers: ClinVar variation 3358054 (VCV003358054.2).

ClinVar aggregate classification (germline): Uncertain significance (1 of 4 stars; one submission).

Conditions:
PLXNA3-related disorder. Also called: PLXNA3-related condition.

gnomAD v4.1: 143 of 1,206,713 alleles (0.012%); highest among the groups gnomAD compares: Non-Finnish European, 0.016%; no homozygotes.

Submission:

PreventionGenetics, part of Exact Sciences
Classification: Uncertain significance for PLXNA3-related condition. Last evaluated: 2026-08-04. Review status: criteria provided, single submitter. Criteria: ACMG Guidelines, 2015. Collection method: clinical testing. Allele origin: germline.
Comment: The PLXNA3 c.202A>G variant is predicted to result in the amino acid substitution p.Thr68Ala. To our knowledge, this variant has not been reported in the literature. This variant is reported in 0.0039% of alleles in individuals of European (Non-Finnish) descent in gnomAD. Although we suspect that this variant may be benign, at this time, the clinical significance of this variant is uncertain due to the absence of conclusive functional and genetic evidence.